The following is an entry in ClinVar:

ClinVar aggregate classification (germline): Uncertain significance (1 of 4 stars; one submission).

Conditions:
Dilated cardiomyopathy 1G (CMD1G). Identifiers: Orphanet 154, MedGen C1858763, MONDO:0011400, OMIM 604145.
Autosomal recessive limb-girdle muscular dystrophy type 2J (LGMDR10). Also called: Limb-girdle muscular dystrophy, type 2J; MUSCULAR DYSTROPHY, LIMB-GIRDLE, AUTOSOMAL RECESSIVE 10. Identifiers: Orphanet 140922, MedGen C1837342, MONDO:0012127, OMIM 608807.

Submission:

Labcorp Genetics (formerly Invitae), Labcorp
Classification: Uncertain significance for Dilated cardiomyopathy 1G; Autosomal recessive limb-girdle muscular dystrophy type 2J. Last evaluated: 2023-08-11. Review status: criteria provided, single submitter. Criteria: Invitae Variant Classification Sherloc (09022015). Collection method: clinical testing. Allele origin: germline.
Comment: In summary, the available evidence is currently insufficient to determine the role of this variant in disease. Therefore, it has been classified as a Variant of Uncertain Significance. This variant is located in the M band of TTN (PMID: 25589632). Variants in this region may be relevant for neuromuscular disorders, but have not been definitively shown to cause cardiomyopathy (PMID: 23975875). Experimental studies and prediction algorithms are not available or were not evaluated, and the functional significance of this variant is currently unknown. This variant has not been reported in the literature in individuals affected with TTN-related conditions. This variant is not present in population databases (gnomAD no frequency). This sequence change replaces alanine, which is neutral and non-polar, with glycine, which is neutral and non-polar, at codon 34833 of the TTN protein (p.Ala34833Gly).

Literature cited by the submitters: PubMed 25589632; PubMed 23975875.

NM_001267550.2(TTN):c.104498C>G (p.Ala34833Gly)

Genes: TTN (titin; minus strand), TTN-AS1 (TTN antisense RNA 1; plus strand). Cytogenetic location: 2q31.2.
Variant type: single nucleotide variant.
Coding change: c.104498C>G on transcript NM_001267550.2 (MANE Select); coding-DNA position 104498, C replaced by G.
Protein change: p.Ala34833Gly; replaces alanine 34833 with glycine.
Molecular consequence: missense variant.
Genome position (GRCh38, 1-based): chr2:178,532,117, G>C on the plus strand (C>G on the coding strand, the complement: TTN is on the minus strand). VCF-style: chr2-178532117-G-C. GRCh37 (hg19) VCF-style: chr2-179396844-G-C.
Other names: c.99575C>G, p.Ala33192Gly (NM_001256850.1); c.77303C>G, p.Ala25768Gly (NM_003319.4); c.96794C>G, p.Ala32265Gly (NM_133378.4); c.77678C>G, p.Ala25893Gly (NM_133432.3); c.77879C>G, p.Ala25960Gly (NM_133437.4); short protein forms A25893G, A32265G, A34833G, A25768G, A25960G, A33192G.
Identifiers: ClinVar variation 2946440 (VCV002946440.3), dbSNP rs1164350939, ClinGen allele CA349411542.
Genomic context (GRCh38, chr2:178,532,117, plus strand): 5'-GGCCTCATTAACTCAATATAAGTTGGAGACAGGGAGCGCCGTCGTCTCAGTAGTCTAGAC[G>C]CAGATGAGGATGATTCTCTTTGAGCATGTTTTGAGATTTCGTATTCTTCCTCAATTTCTG-3'
Protein context (NP_001254479.2, residues 34823-34843): KHAQRESSSS[Ala34833Gly]SRLLRRRRSL